The following is an entry in ClinVar:

ClinVar aggregate classification (germline): Uncertain significance (1 of 4 stars; one submission).

Conditions:
Hyperphosphatasia with impaired intellectual development syndrome 2. Also called: Hyperphosphatasia with intellectual disability syndrome 2; GLYCOSYLPHOSPHATIDYLINOSITOL BIOSYNTHESIS DEFECT 6. Identifiers: Orphanet 247262, MedGen C3553637, MONDO:0013882, OMIM 614749.

gnomAD v4.1: 2 of 1,614,026 alleles (0.00012%); highest among the groups gnomAD compares: Non-Finnish European, 0.00017%; no homozygotes.

Submission:

Labcorp Genetics (formerly Invitae), Labcorp
Classification: Uncertain significance for Hyperphosphatasia with impaired intellectual development syndrome 2. Last evaluated: 2022-07-26. Review status: criteria provided, single submitter. Criteria: Invitae Variant Classification Sherloc (09022015). Collection method: clinical testing. Allele origin: germline.
Comment: This variant is not present in population databases (gnomAD no frequency). This sequence change replaces alanine, which is neutral and non-polar, with valine, which is neutral and non-polar, at codon 683 of the PIGO protein (p.Ala683Val). This variant has not been reported in the literature in individuals affected with PIGO-related conditions. In summary, the available evidence is currently insufficient to determine the role of this variant in disease. Therefore, it has been classified as a Variant of Uncertain Significance. Algorithms developed to predict the effect of missense changes on protein structure and function output the following: SIFT: "Tolerated"; PolyPhen-2: "Benign"; Align-GVGD: "Class C0". The valine amino acid residue is found in multiple mammalian species, which suggests that this missense change does not adversely affect protein function. ClinVar contains an entry for this variant (Variation ID: 1354195).

NM_032634.4(PIGO):c.2048C>T (p.Ala683Val)

Gene: PIGO (phosphatidylinositol glycan anchor biosynthesis class O; minus strand). Cytogenetic location: 9p13.3.
Variant type: single nucleotide variant.
Coding change: c.2048C>T on transcript NM_032634.4 (MANE Select); coding-DNA position 2048, C replaced by T.
Protein change: p.Ala683Val; replaces alanine 683 with valine.
Molecular consequence: missense variant. On other transcripts: intron variant (2).
Genome position (GRCh38, 1-based): chr9:35,091,839, G>A on the plus strand (C>T on the coding strand, the complement: PIGO is on the minus strand). VCF-style: chr9-35091839-G-A. GRCh37 (hg19) VCF-style: chr9-35091836-G-A.
Other names: c.1345-548C>T (NM_152850.4, NM_001201484.2); short protein forms A683V.
Identifiers: ClinVar variation 1354195 (VCV001354195.6), dbSNP rs1436127368, ClinGen allele CA373320889.